The following is an entry in ClinVar:

ClinVar aggregate classification (germline): Uncertain significance (1 of 4 stars; one submission).

Submission:

GeneDx
Classification: Uncertain significance. Last evaluated: 2024-09-19. Review status: criteria provided, single submitter. Criteria: GeneDx Variant Classification Process June 2021. Collection method: clinical testing. Allele origin: germline. Affected: yes.
Comment: Not observed at significant frequency in large population cohorts (gnomAD); In silico analysis supports that this missense variant has a deleterious effect on protein structure/function; Has not been previously published as pathogenic or benign to our knowledge

NM_000834.5(GRIN2B):c.575A>G (p.Asn192Ser)

Gene: GRIN2B (glutamate ionotropic receptor NMDA type subunit 2B; minus strand). Cytogenetic location: 12p13.1.
Variant type: single nucleotide variant.
Coding change: c.575A>G on transcript NM_000834.5 (MANE Select); coding-DNA position 575, A replaced by G.
Protein change: p.Asn192Ser; replaces asparagine 192 with serine.
Molecular consequence: missense variant.
Genome position (GRCh38, 1-based): chr12:13,753,752, T>C on the plus strand (A>G on the coding strand, the complement: GRIN2B is on the minus strand). VCF-style: chr12-13753752-T-C. GRCh37 (hg19) VCF-style: chr12-13906686-T-C.
Other names: c.575A>G, p.Asn192Ser (NM_001413992.1, NM_001413993.1, NM_001413994.1 and 1 more transcripts); short protein forms N192S.
Identifiers: ClinVar variation 3774100 (VCV003774100.1).